The following is an entry in ClinVar:

NM_032520.5(GNPTG):c.608dup (p.His205fs)

Gene: GNPTG (N-acetylglucosamine-1-phosphate transferase subunit gamma; plus strand). Cytogenetic location: 16p13.3.
Variant type: Duplication.
Coding change: c.608dup on transcript NM_032520.5 (MANE Select); coding-DNA position 608, one base duplicated (A; older notation c.608dupA).
Protein change: p.His205fs; shifts the reading frame from histidine 205.
Molecular consequence: frameshift variant.
Genome position (GRCh38, 1-based): chr16:1,362,533, A duplicated. VCF-style (leftmost placement, unchanged base first): chr16-1362532-C-CA. GRCh37 (hg19) VCF-style: chr16-1412533-C-CA.
Other names: short protein forms H205fs.
Identifiers: ClinVar variation 2865818 (VCV002865818.3), dbSNP rs2548190486, ClinGen allele CA2573332335.

ClinVar aggregate classification (germline): Pathogenic (1 of 4 stars; one submission).

Submission:

Labcorp Genetics (formerly Invitae), Labcorp
Classification: Pathogenic. Last evaluated: 2023-05-19. Review status: criteria provided, single submitter. Criteria: Invitae Variant Classification Sherloc (09022015). Collection method: clinical testing. Allele origin: germline.
Comment: This sequence change creates a premature translational stop signal (p.His205Profs*2) in the GNPTG gene. It is expected to result in an absent or disrupted protein product. Loss-of-function variants in GNPTG are known to be pathogenic (PMID: 19370764, 20301784). This variant is not present in population databases (gnomAD no frequency). This variant has not been reported in the literature in individuals affected with GNPTG-related conditions. For these reasons, this variant has been classified as Pathogenic.

Literature cited by the submitters: PubMed 19370764; PubMed 20301784.